The following is an entry in ClinVar:

NM_003001.5(SDHC):c.409T>C (p.Trp137Arg)

Gene: SDHC (succinate dehydrogenase complex subunit C; plus strand). Cytogenetic location: 1q23.3.
Variant type: single nucleotide variant.
Coding change: c.409T>C on transcript NM_003001.5 (MANE Select); coding-DNA position 409, T replaced by C.
Protein change: p.Trp137Arg; replaces tryptophan 137 with arginine.
Molecular consequence: missense variant.
Genome position (GRCh38, 1-based): chr1:161,362,332, T>C. VCF-style: chr1-161362332-T-C. GRCh37 (hg19) VCF-style: chr1-161332122-T-C.
Other names: c.245T>C, p.Val82Ala (NM_001035511.3); c.307T>C, p.Trp103Arg (NM_001035512.3); c.250T>C, p.Trp84Arg (NM_001035513.3); c.143T>C, p.Val48Ala (NM_001278172.3); c.529T>C, p.Trp177Arg (NM_001407115.1); c.352T>C, p.Trp118Arg (NM_001407116.1); c.346T>C, p.Trp116Arg (NM_001407117.1); c.301T>C, p.Trp101Arg (NM_001407118.1); and 2 more; short protein forms W103R, W137R, V48A, V82A, W84R, W101R, W116R, V63A.
Identifiers: ClinVar variation 1442941 (VCV001442941.7), dbSNP rs890210469, ClinGen allele CA343457533.

ClinVar aggregate classification (germline): Uncertain significance (1 of 4 stars; one submission).

Conditions:
Gastrointestinal stromal tumor. Also called: Gastrointestinal stroma tumor; Gastrointestinal stromal tumor, somatic. Identifiers: Orphanet 44890, MedGen C0238198, MeSH D046152, MONDO:0011719, OMIM 606764, HP:0100723.
Pheochromocytoma/paraganglioma syndrome 3. Also called: GLOMUS TUMORS, FAMILIAL, 3; SDHC-Related Hereditary Paraganglioma-Pheochromocytoma Syndrome; Paragangliomas 3; SDHC-Related Hereditary Paraganglioma-Pheochromocytoma Syndrome (Paragangliomas 3). Identifiers: Orphanet 29072, MedGen C1854336, MONDO:0011544, OMIM 605373.

Submission:

Labcorp Genetics (formerly Invitae), Labcorp
Classification: Uncertain significance for Pheochromocytoma/paraganglioma syndrome 3; Gastrointestinal stromal tumor. Last evaluated: 2024-04-10. Review status: criteria provided, single submitter. Criteria: Invitae Variant Classification Sherloc (09022015). Collection method: clinical testing. Allele origin: germline.
Comment: This sequence change replaces tryptophan, which is neutral and slightly polar, with arginine, which is basic and polar, at codon 137 of the SDHC protein (p.Trp137Arg). This variant is not present in population databases (gnomAD no frequency). This variant has not been reported in the literature in individuals affected with SDHC-related conditions. ClinVar contains an entry for this variant (Variation ID: 1442941). An algorithm developed to predict the effect of missense changes on protein structure and function (PolyPhen-2) suggests that this variant is likely to be disruptive. In summary, the available evidence is currently insufficient to determine the role of this variant in disease. Therefore, it has been classified as a Variant of Uncertain Significance.